The following is an entry in ClinVar:

NM_000465.4(BARD1):c.585_586insTTAT (p.Lys196delinsLeuTer)

Gene: BARD1 (BRCA1 associated RING domain 1; minus strand). Cytogenetic location: 2q35.
Variant type: Insertion.
Coding change: c.585_586insTTAT on transcript NM_000465.4 (MANE Select); coding-DNA positions 585 to 586, TTAT inserted.
Protein change: p.Lys196delinsLeuTer.
Molecular consequence: nonsense. On other transcripts: non-coding transcript variant (2), intron variant (3).
Genome position: GRCh38 VCF-style: chr2-214781288-T-TATAA. GRCh37 (hg19) VCF-style: chr2-215646012-T-TATAA.
Other names: c.528_529insTTAT, p.Lys177delinsLeuTer (NM_001282543.2); c.158+28123_158+28124insTTTA (NM_001282548.2); c.215+15772_215+15773insTTTA (NM_001282545.2); c.364+11008_364+11009insTTTA (NM_001282549.2).
Identifiers: ClinVar variation 4689100 (VCV004689100.1).
Genomic context (GRCh38, chr2:214,781,288, plus strand): 5'-GGTTGATTTCAGCTAAAGTTTTCTTTTTTTGCTTTTTTCCAGATCTTGCAGAAGCCTTTT[T>TATAA]AGCCCTCTCAGAAACATCTGCAGGAGGACTTGGGGAAACAAATTCATATGAGTCTTGCTG-3'

ClinVar aggregate classification (germline): Pathogenic (1 of 4 stars; one submission).

Conditions:
Hereditary breast ovarian cancer syndrome. Also called: Hereditary breast and ovarian cancer syndrome (HBOC); Breast and ovarian cancer; Hereditary breast and ovarian cancer; Hereditary breast and ovarian cancer syndrome; BRCA1- and BRCA2-Associated Hereditary Breast and Ovarian Cancer; Hereditary breast and/or ovarian cancer syndrome. Identifiers: Orphanet 145, MedGen C0677776, MeSH D061325, MONDO:0003582. Disease mechanism: loss of function.

Submission:

Women's Health and Genetics/Laboratory Corporation of America, LabCorp
Classification: Pathogenic for Hereditary breast ovarian cancer syndrome. Last evaluated: 2026-01-22. Review status: criteria provided, single submitter. Criteria: LabCorp Variant Classification Summary - May 2015. Collection method: clinical testing. Allele origin: germline.
Comment: Variant summary: BARD1 c.585_586insTTAT (p.Lys196LeufsX2) results in a premature termination codon, predicted to cause absence of the protein due to nonsense mediated decay, which is a commonly known mechanism for disease. The variant was absent in 243358 control chromosomes. To our knowledge, no occurrence of c.585_586insTTAT in individuals affected with BARD1-related conditions and no experimental evidence demonstrating its impact on protein function have been reported. No submitters have cited clinical-significance assessments for this variant to ClinVar. Based on the evidence outlined above, the variant was classified as pathogenic.